The following is an entry in ClinVar:

ClinVar aggregate classification (germline): Uncertain significance (1 of 4 stars; one submission).

Conditions:
Hereditary cancer-predisposing syndrome. Also called: Neoplastic Syndromes, Hereditary; Tumor predisposition; Hereditary Cancer Syndrome; Hereditary neoplastic syndrome. Identifiers: Orphanet 140162, MedGen C0027672, MeSH D009386, MONDO:0015356.

Submission:

Ambry Genetics
Classification: Uncertain significance for Hereditary cancer-predisposing syndrome. Last evaluated: 2024-06-29. Review status: criteria provided, single submitter. Criteria: Ambry Variant Classification Scheme 2023. Collection method: clinical testing. Allele origin: germline.
Comment: The p.K1876Q variant (also known as c.5626A>C), located in coding exon 41 of the POLE gene, results from an A to C substitution at nucleotide position 5626. The lysine at codon 1876 is replaced by glutamine, an amino acid with similar properties. This amino acid position is conserved. In addition, this alteration is predicted to be tolerated by in silico analysis. Based on the available evidence, the clinical significance of this variant remains unclear.

NM_006231.4(POLE):c.5626A>C (p.Lys1876Gln)

Gene: POLE (DNA polymerase epsilon, catalytic subunit; minus strand). Cytogenetic location: 12q24.33.
Variant type: single nucleotide variant.
Coding change: c.5626A>C on transcript NM_006231.4 (MANE Select); coding-DNA position 5626, A replaced by C.
Protein change: p.Lys1876Gln; replaces lysine 1876 with glutamine.
Molecular consequence: missense variant.
Genome position (GRCh38, 1-based): chr12:132,638,066, T>G on the plus strand (A>C on the coding strand, the complement: POLE is on the minus strand). VCF-style: chr12-132638066-T-G. GRCh37 (hg19) VCF-style: chr12-133214652-T-G.
Other names: short protein forms K1876Q.
Identifiers: ClinVar variation 3422100 (VCV003422100.1).